The following is an entry in ClinVar:

ClinVar aggregate classification (germline): Uncertain significance. Review status: criteria provided, single submitter (1 of 4 stars). 2 submissions from 2 submitters: Uncertain significance (1). 1 of the submissions does not count toward it. Last evaluated 2024-12-03.

Conditions:
Charcot-Marie-Tooth disease type 2. Also called: Charcot-Marie-Tooth type 2. Identifiers: Orphanet 64746, MedGen C0270914, MONDO:0018993.

Allele frequency attached by ClinVar (database versions not stated): TOPMed below 0.00001; gnomAD exomes below 0.00001.
gnomAD v4.1: 4 of 1,614,060 alleles (0.00025%); highest among the groups gnomAD compares: East Asian, 0.0022%; no homozygotes.

Submissions (2):

Labcorp Genetics (formerly Invitae), Labcorp
Classification: Uncertain significance for Charcot-Marie-Tooth disease type 2. Last evaluated: 2024-12-03. Review status: criteria provided, single submitter. Criteria: Invitae Variant Classification Sherloc (09022015). Collection method: clinical testing. Allele origin: germline.
Comment: This sequence change replaces threonine, which is neutral and polar, with methionine, which is neutral and non-polar, at codon 726 of the AARS protein (p.Thr726Met). This variant is present in population databases (no rsID available, gnomAD 0.006%). This variant has not been reported in the literature in individuals affected with AARS-related conditions. ClinVar contains an entry for this variant (Variation ID: 545044). An algorithm developed to predict the effect of missense changes on protein structure and function (PolyPhen-2) suggests that this variant is likely to be disruptive. In summary, the available evidence is currently insufficient to determine the role of this variant in disease. Therefore, it has been classified as a Variant of Uncertain Significance.

Laboratory of Molecular Genetics (Pr. Bezieau's lab), CHU de Nantes
Classification: Likely pathogenic. Last evaluated: 2016-10-07. Review status: no assertion criteria provided. Collection method: clinical testing. Allele origin: germline. Affected: yes. Not counted in ClinVar's aggregate classification.

NM_001605.3(AARS1):c.2177C>T (p.Thr726Met)

Gene: AARS1 (alanyl-tRNA synthetase 1; minus strand). Cytogenetic location: 16q22.1.
Variant type: single nucleotide variant.
Coding change: c.2177C>T on transcript NM_001605.3 (MANE Select); coding-DNA position 2177, C replaced by T.
Protein change: p.Thr726Met; replaces threonine 726 with methionine.
Molecular consequence: missense variant.
Genome position (GRCh38, 1-based): chr16:70,258,033, G>A on the plus strand (C>T on the coding strand, the complement: AARS1 is on the minus strand). VCF-style: chr16-70258033-G-A. GRCh37 (hg19) VCF-style: chr16-70291936-G-A.
Other names: short protein forms T726M.
Identifiers: ClinVar variation 545044 (VCV000545044.4), dbSNP rs1480620711, ClinGen allele CA396557501.